The following is an entry in ClinVar:

ClinVar aggregate classification (germline): Conflicting classifications of pathogenicity. Review status: criteria provided, conflicting classifications (1 of 4 stars). 4 submissions from 4 submitters: Uncertain significance (2); Likely benign (1). 1 of the submissions does not count toward it. Last evaluated 2026-01-28.

Allele frequency attached by ClinVar (database versions not stated): gnomAD exomes 0.00036; ExAC 0.00038; ESP Exome Variant Server 0.00038; gnomAD 0.00038 and 0.00041; TOPMed 0.00048.
gnomAD v4.1: 965 of 1,613,722 alleles (0.06%); highest among the groups gnomAD compares: Non-Finnish European, 0.072%; 2 homozygotes.

Submissions (4):

Labcorp Genetics (formerly Invitae), Labcorp
Classification: Likely benign. Last evaluated: 2026-01-28. Review status: criteria provided, single submitter. Criteria: Invitae Variant Classification Sherloc (09022015). Collection method: clinical testing. Allele origin: germline.

Ambry Genetics
Classification: Uncertain significance. Last evaluated: 2024-01-29. Review status: criteria provided, single submitter. Criteria: Ambry Variant Classification Scheme 2023. Collection method: clinical testing. Allele origin: germline.

GeneDx
Classification: Uncertain significance. Last evaluated: 2023-12-26. Review status: criteria provided, single submitter. Criteria: GeneDx Variant Classification Process June 2021. Collection method: clinical testing. Allele origin: germline. Affected: yes.
Comment: In silico analysis supports that this missense variant has a deleterious effect on protein structure/function; Has not been previously published as pathogenic or benign to our knowledge

Department of Pathology and Laboratory Medicine, Sinai Health System
Classification: Uncertain significance. Review status: no assertion criteria provided. Collection method: clinical testing. Allele origin: unknown. Affected: yes. Study: The Canadian Open Genetics Repository (COGR). Not counted in ClinVar's aggregate classification.
Comment: The LARS p.Arg457Trp variant was not identified in the literature nor was it identified in ClinVar. The variant was identified in dbSNP (ID: rs151245897) and in control databases in 95 of 282642 chromosomes at a frequency of 0.0003361 (Genome Aggregation Database March 6, 2019, v2.1.1). The variant was observed in the following populations: South Asian in 17 of 30614 chromosomes (freq: 0.000555), European (non-Finnish) in 61 of 129000 chromosomes (freq: 0.000473), Latino in 12 of 35436 chromosomes (freq: 0.000339), Other in 2 of 7222 chromosomes (freq: 0.000277) and African in 3 of 24950 chromosomes (freq: 0.00012), but was not observed in the Ashkenazi Jewish, East Asian, or European (Finnish) populations. The p.Arg457 residue is conserved in mammals and computational analyses (PolyPhen-2, SIFT, AlignGVGD, BLOSUM, MutationTaster) suggest that the variant may impact the protein; however this information is not predictive enough to assume pathogenicity. The variant occurs outside of the splicing consensus sequence and in silico or computational prediction software programs (SpliceSiteFinder, MaxEntScan, NNSPLICE, GeneSplicer) do not predict a difference in splicing. In summary, based on the above information the clinical significance of this variant cannot be determined with certainty at this time. This variant is classified as a variant of uncertain significance.

NM_020117.11(LARS1):c.1369C>T (p.Arg457Trp)

Gene: LARS1 (leucyl-tRNA synthetase 1; minus strand). Cytogenetic location: 5q32.
Variant type: single nucleotide variant.
Coding change: c.1369C>T on transcript NM_020117.11 (MANE Select); coding-DNA position 1369, C replaced by T.
Protein change: p.Arg457Trp; replaces arginine 457 with tryptophan.
Molecular consequence: missense variant.
Genome position (GRCh38, 1-based): chr5:146,151,918, G>A on the plus strand (C>T on the coding strand, the complement: LARS1 is on the minus strand). VCF-style: chr5-146151918-G-A. GRCh37 (hg19) VCF-style: chr5-145531481-G-A.
Other names: c.1231C>T, p.Arg411Trp (NM_001317964.2); c.1207C>T, p.Arg403Trp (NM_001317965.2); c.1288C>T, p.Arg430Trp (NM_016460.4); short protein forms R403W, R411W, R430W, R457W.
Identifiers: ClinVar variation 1049980 (VCV001049980.10), dbSNP rs151245897, ClinGen allele CA3489640.